The following is an entry in ClinVar:

ClinVar aggregate classification (germline): Uncertain significance. Review status: criteria provided, multiple submitters, no conflicts (2 of 4 stars). 3 submissions from 3 submitters: Uncertain significance (3). Last evaluated 2024-12-04.

Conditions:
Inborn genetic diseases. Identifiers: MedGen C0950123, MeSH D030342.
Seizures, benign familial infantile, 3 (BFIS3). Also called: Familial neonatal seizures; CONVULSIONS, BENIGN FAMILIAL INFANTILE, 3. Identifiers: Orphanet 140927, Orphanet 306, MedGen C1843140, MONDO:0011904, OMIM 607745.
Developmental and epileptic encephalopathy, 11 (DEE11). Also called: Early infantile epileptic encephalopathy 11. Identifiers: Orphanet 1934, MedGen C3150987, MONDO:0013388, OMIM 613721.

Allele frequency attached by ClinVar (database versions not stated): ExAC 0.00001; gnomAD 0.00001; gnomAD exomes 0.00001; TOPMed 0.00001.
gnomAD v4.1: 5 of 1,613,942 alleles (0.00031%); highest among the groups gnomAD compares: East Asian, 0.0022%; no homozygotes.

Submissions (3):

Ambry Genetics
Classification: Uncertain significance for Inborn genetic diseases. Last evaluated: 2024-12-04. Review status: criteria provided, single submitter. Criteria: Ambry Variant Classification Scheme 2023. Collection method: clinical testing. Allele origin: germline.

Labcorp Genetics (formerly Invitae), Labcorp
Classification: Uncertain significance for Seizures, benign familial infantile, 3; Developmental and epileptic encephalopathy, 11. Last evaluated: 2023-03-04. Review status: criteria provided, single submitter. Criteria: Invitae Variant Classification Sherloc (09022015). Collection method: clinical testing. Allele origin: germline.
Comment: In summary, the available evidence is currently insufficient to determine the role of this variant in disease. Therefore, it has been classified as a Variant of Uncertain Significance. Advanced modeling of protein sequence and biophysical properties (such as structural, functional, and spatial information, amino acid conservation, physicochemical variation, residue mobility, and thermodynamic stability) performed at Invitae indicates that this missense variant is expected to disrupt SCN2A protein function. ClinVar contains an entry for this variant (Variation ID: 1464059). This variant has not been reported in the literature in individuals affected with SCN2A-related conditions. This variant is present in population databases (rs777751518, gnomAD 0.005%). This sequence change replaces isoleucine, which is neutral and non-polar, with threonine, which is neutral and polar, at codon 1230 of the SCN2A protein (p.Ile1230Thr).

GeneDx
Classification: Uncertain significance. Last evaluated: 2022-09-20. Review status: criteria provided, single submitter. Criteria: GeneDx Variant Classification Process June 2021. Collection method: clinical testing. Allele origin: germline. Affected: yes.
Comment: Missense variants in this gene are often considered pathogenic (HGMD); In silico analysis supports that this missense variant has a deleterious effect on protein structure/function; This substitution is predicted to be within the extracellular loop between the S1 and S2 transmembrane segments of the third homologous domain; Has not been previously published as pathogenic or benign to our knowledge

NM_001040142.2(SCN2A):c.3689T>C (p.Ile1230Thr)

Gene: SCN2A (sodium voltage-gated channel alpha subunit 2; plus strand). Cytogenetic location: 2q24.3.
Variant type: single nucleotide variant.
Coding change: c.3689T>C on transcript NM_001040142.2 (MANE Select); coding-DNA position 3689, T replaced by C.
Protein change: p.Ile1230Thr; replaces isoleucine 1230 with threonine.
Molecular consequence: missense variant.
Genome position (GRCh38, 1-based): chr2:165,370,139, T>C. VCF-style: chr2-165370139-T-C. GRCh37 (hg19) VCF-style: chr2-166226649-T-C.
Other names: c.3689T>C, p.Ile1230Thr (NM_001040143.2, NM_001371246.1, NM_001371247.1 and 1 more transcripts); short protein forms I1230T.
Identifiers: ClinVar variation 1464059 (VCV001464059.10), dbSNP rs777751518, ClinGen allele CA1940162.